The following is an entry in ClinVar:

NM_080424.4(SP110):c.1647C>T (p.Cys549=)

Gene: SP110 (SP110 nuclear body protein; minus strand). Cytogenetic location: 2q37.1.
Variant type: single nucleotide variant.
Coding change: c.1647C>T on transcript NM_080424.4 (MANE Select); coding-DNA position 1647, C replaced by T.
Protein change: p.Cys549=; no amino-acid change (cysteine 549 retained).
Molecular consequence: synonymous variant.
Genome position (GRCh38, 1-based): chr2:230,172,903, G>A on the plus strand (C>T on the coding strand, the complement: SP110 is on the minus strand). VCF-style: chr2-230172903-G-A. GRCh37 (hg19) VCF-style: chr2-231037619-G-A.
Other names: c.1665C>T, p.Cys555= (NM_001378442.1, NM_001378444.1, NM_001378445.1 and 1 more transcripts); c.1647C>T, p.Cys549= (NM_001378443.1, NM_004509.5).
Identifiers: ClinVar variation 534651 (VCV000534651.19), dbSNP rs116626378, ClinGen allele CA2154397.

ClinVar aggregate classification (germline): Benign/Likely benign. Review status: criteria provided, multiple submitters, no conflicts (2 of 4 stars). 5 submissions from 5 submitters: Benign (2); Likely benign (2). 1 of the submissions does not count toward it. Last evaluated 2026-02-03.

Conditions:
SP110-related disorder. Also called: SP110-related condition.
Hepatic veno-occlusive disease-immunodeficiency syndrome. Also called: Hepatic Veno-Occlusive Disease with Immunodeficiency. Identifiers: Orphanet 79124, MedGen C1856128, MONDO:0009338, OMIM 235550. Disease mechanism: loss of function.
Mycobacterium tuberculosis, susceptibility to. Identifiers: MedGen C1834752, OMIM 607948.

Allele frequency attached by ClinVar (database versions not stated): gnomAD exomes 0.00159 and 0.00223; ExAC 0.00172; 1000 Genomes Project 30x 0.00297; 1000 Genomes Project 0.00319; gnomAD 0.00434 and 0.00462; TOPMed 0.00479; ESP Exome Variant Server 0.00554.
gnomAD v4.1: 3,896 of 1,614,132 alleles (0.24%); highest among the groups gnomAD compares: African/African-American, 1.2%; 12 homozygotes.

Submissions (5):

Labcorp Genetics (formerly Invitae), Labcorp
Classification: Benign for Hepatic veno-occlusive disease-immunodeficiency syndrome. Last evaluated: 2026-02-03. Review status: criteria provided, single submitter. Criteria: Invitae Variant Classification Sherloc (09022015). Collection method: clinical testing. Allele origin: germline.

Blueprint Genetics
Classification: Likely benign. Last evaluated: 2024-11-26. Review status: criteria provided, single submitter. Criteria: ACMG Guidelines, 2015. Collection method: clinical testing. Allele origin: germline.

Fulgent Genetics
Classification: Likely benign for Hepatic veno-occlusive disease-immunodeficiency syndrome; Mycobacterium tuberculosis, susceptibility to. Last evaluated: 2021-11-10. Review status: criteria provided, single submitter. Criteria: ACMG Guidelines, 2015. Collection method: clinical testing. Allele origin: unknown.

Illumina Laboratory Services, Illumina
Classification: Benign for Hepatic veno-occlusive disease-immunodeficiency syndrome. Last evaluated: 2018-01-13. Review status: criteria provided, single submitter. Criteria: ICSL Variant Classification Criteria 13 December 2019. Collection method: clinical testing. Allele origin: germline.
Comment: This variant was observed in the ICSL laboratory as part of a predisposition screen in an ostensibly healthy population. It had not been previously curated by ICSL or reported in the Human Gene Mutation Database (HGMD: prior to June 1st, 2018), and was therefore a candidate for classification through an automated scoring system. Utilizing variant allele frequency, disease prevalence and penetrance estimates, and inheritance mode, an automated score was calculated to assess if this variant is too frequent to cause the disease. Based on the score and internal cut-off values, a variant classified as benign is not then subjected to further curation. The score for this variant resulted in a classification of benign for this disease.

PreventionGenetics, part of Exact Sciences
Classification: Benign for SP110-related condition. Last evaluated: 2024-01-08. Review status: no assertion criteria provided. Collection method: clinical testing. Allele origin: germline. Not counted in ClinVar's aggregate classification.
Comment: This variant is classified as benign based on ACMG/AMP sequence variant interpretation guidelines (Richards et al. 2015 PMID: 25741868, with internal and published modifications).